The following is an entry in ClinVar:

NM_001162383.2(ARHGEF2):c.993G>A (p.Ala331=)

Genes: ARHGEF2 (Rho/Rac guanine nucleotide exchange factor 2; minus strand), LOC122128443 (CDK7 strongly-dependent group 2 enhancer GRCh37_chr1:155931313-155932512; plus strand). Cytogenetic location: 1q22.
Variant type: single nucleotide variant.
Coding change: c.993G>A on transcript NM_001162383.2 (MANE Select); coding-DNA position 993, G replaced by A.
Protein change: p.Ala331=; no amino-acid change (alanine 331 retained).
Molecular consequence: synonymous variant.
Genome position (GRCh38, 1-based): chr1:155,962,701, C>T on the plus strand (G>A on the coding strand, the complement: ARHGEF2 is on the minus strand). VCF-style: chr1-155962701-C-T. GRCh37 (hg19) VCF-style: chr1-155932492-C-T.
Other names: NC_000001.10:g.155932492C>T; c.909G>A (NM_004723.3); c.990G>A, p.Ala330= (NM_001162384.2); c.912G>A, p.Ala304= (NM_001350110.2, NM_001350111.2); c.939G>A, p.Ala313= (NM_001350112.2); c.909G>A, p.Ala303= (NM_004723.4).
Identifiers: ClinVar variation 724752 (VCV000724752.27), dbSNP rs75834511, ClinGen allele CA1153376.

ClinVar aggregate classification (germline): Likely benign. Review status: criteria provided, multiple submitters, no conflicts (2 of 4 stars). 3 submissions from 3 submitters: Likely benign (2). 1 of the submissions does not count toward it. Last evaluated 2024-02-01.

Conditions:
ARHGEF2-related disorder. Also called: ARHGEF2-related condition.

Allele frequency attached by ClinVar (database versions not stated): 1000 Genomes Project 30x 0.00094; gnomAD exomes 0.00100; ExAC 0.00102; gnomAD 0.00118 and 0.00119; TOPMed 0.00119; 1000 Genomes Project 0.00120; ESP Exome Variant Server 0.00177.
gnomAD v4.1: 3,015 of 1,614,132 alleles (0.19%); highest among the groups gnomAD compares: Non-Finnish European, 0.23%; 7 homozygotes.

Submissions (11):

CeGaT Center for Human Genetics Tuebingen
Classification: Likely benign. Last evaluated: 2024-02-01. Review status: criteria provided, single submitter. Criteria: CeGaT Center For Human Genetics Tuebingen Variant Classification Criteria Version 2. Collection method: clinical testing. Allele origin: germline. Affected: yes. Observed: 1 variant allele.
Comment: ARHGEF2: BP4, BP7

Labcorp Genetics (formerly Invitae), Labcorp
Classification: Likely benign. Last evaluated: 2018-12-11. Review status: criteria provided, single submitter. Criteria: Invitae Variant Classification Sherloc (09022015). Collection method: clinical testing. Allele origin: germline.

PreventionGenetics, part of Exact Sciences
Classification: Likely benign for ARHGEF2-related condition. Last evaluated: 2019-09-05. Review status: no assertion criteria provided. Collection method: clinical testing. Allele origin: germline. Not counted in ClinVar's aggregate classification.
Comment: This variant is classified as likely benign based on ACMG/AMP sequence variant interpretation guidelines (Richards et al. 2015 PMID: 25741868, with internal and published modifications).

Dr. Peter K. Rogan Lab, Western University
No classification provided (evidence only). Condition: Melanoma. Review status: no classification provided. Collection method: in vitro. Allele origin: not applicable. Functional consequence: retained intron. Not counted in ClinVar's aggregate classification.

Dr. Peter K. Rogan Lab, Western University
No classification provided (evidence only). Condition: Melanoma. Review status: no classification provided. Collection method: in vitro. Allele origin: not applicable. Functional consequence: retained intron. Not counted in ClinVar's aggregate classification.

Dr. Peter K. Rogan Lab, Western University
No classification provided (evidence only). Condition: Acute myeloid leukemia. Review status: no classification provided. Collection method: in vitro. Allele origin: not applicable. Functional consequence: retained intron. Not counted in ClinVar's aggregate classification.

Dr. Peter K. Rogan Lab, Western University
No classification provided (evidence only). Condition: Thyroid cancer, nonmedullary, 1. Review status: no classification provided. Collection method: in vitro. Allele origin: not applicable. Functional consequence: retained intron. Not counted in ClinVar's aggregate classification.

Dr. Peter K. Rogan Lab, Western University
No classification provided (evidence only). Condition: Malignant lymphoma, large B-cell, diffuse. Review status: no classification provided. Collection method: in vitro. Allele origin: not applicable. Functional consequence: retained intron. Not counted in ClinVar's aggregate classification.

Dr. Peter K. Rogan Lab, Western University
No classification provided (evidence only). Condition: Malignant tumor of esophagus. Review status: no classification provided. Collection method: in vitro. Allele origin: not applicable. Functional consequence: retained intron. Not counted in ClinVar's aggregate classification.

Dr. Peter K. Rogan Lab, Western University
No classification provided (evidence only). Condition: Malignant tumor of esophagus. Review status: no classification provided. Collection method: in vitro. Allele origin: not applicable. Functional consequence: retained intron. Not counted in ClinVar's aggregate classification.

Dr. Peter K. Rogan Lab, Western University
No classification provided (evidence only). Condition: Lymphoma. Review status: no classification provided. Collection method: in vitro. Allele origin: not applicable. Functional consequence: retained intron. Not counted in ClinVar's aggregate classification.